The following is an entry in ClinVar:

ClinVar aggregate classification (germline): Likely benign (1 of 4 stars; one submission).

Allele frequency attached by ClinVar (database versions not stated): gnomAD exomes below 0.00001; TOPMed below 0.00001.
gnomAD v4.1: 1 of 1,613,902 alleles (0.000062%); highest among the groups gnomAD compares: Non-Finnish European, 0.000085%; no homozygotes.

Submission:

CeGaT Center for Human Genetics Tuebingen
Classification: Likely benign. Last evaluated: 2023-02-01. Review status: criteria provided, single submitter. Criteria: CeGaT Center For Human Genetics Tuebingen Variant Classification Criteria Version 2. Collection method: clinical testing. Allele origin: germline. Affected: yes. Observed: 1 variant allele.
Comment: RYR1: PM2:Supporting, BP4, BP7

NM_000540.3(RYR1):c.9708G>A (p.Val3236=)

Gene: RYR1 (ryanodine receptor 1; plus strand). Cytogenetic location: 19q13.2.
Variant type: single nucleotide variant.
Coding change: c.9708G>A on transcript NM_000540.3 (MANE Select); coding-DNA position 9708, G replaced by A.
Protein change: p.Val3236=; no amino-acid change (valine 3236 retained).
Molecular consequence: synonymous variant.
Genome position (GRCh38, 1-based): chr19:38,517,381, G>A. VCF-style: chr19-38517381-G-A. GRCh37 (hg19) VCF-style: chr19-39008021-G-A.
Other names: c.9708G>A, p.Val3236= (NM_001042723.2).
Identifiers: ClinVar variation 2649807 (VCV002649807.24), dbSNP rs1971018494, ClinGen allele CA507247090.